The following is an entry in ClinVar:

NM_005908.4(MANBA):c.2405C>T (p.Ala802Val)

Gene: MANBA (mannosidase beta; minus strand). Cytogenetic location: 4q24.
Variant type: single nucleotide variant.
Coding change: c.2405C>T on transcript NM_005908.4 (MANE Select); coding-DNA position 2405, C replaced by T.
Protein change: p.Ala802Val; replaces alanine 802 with valine.
Molecular consequence: missense variant.
Genome position (GRCh38, 1-based): chr4:102,634,798, G>A on the plus strand (C>T on the coding strand, the complement: MANBA is on the minus strand). VCF-style: chr4-102634798-G-A. GRCh37 (hg19) VCF-style: chr4-103555955-G-A.
Other names: short protein forms A802V.
Identifiers: ClinVar variation 2142284 (VCV002142284.2), dbSNP rs778265593, ClinGen allele CA3026635.

ClinVar aggregate classification (germline): Uncertain significance. Review status: criteria provided, multiple submitters, no conflicts (2 of 4 stars). 2 submissions from 2 submitters: Uncertain significance (2). Last evaluated 2026-04-10.

Conditions:
Beta-D-mannosidosis (MANSB). Also called: Beta-Mannosidosis; LYSOSOMAL BETA-MANNOSIDASE DEFICIENCY; MANNOSIDOSIS, BETA A, LYSOSOMAL; BETA-MANNOSIDASE DEFICIENCY. Identifiers: Orphanet 118, MedGen C4048196, MONDO:0009562, OMIM 248510.

Allele frequency attached by ClinVar (database versions not stated): gnomAD 0.00001; gnomAD exomes 0.00001; TOPMed 0.00001; ExAC 0.00002.
gnomAD v4.1: 17 of 1,613,558 alleles (0.0011%); highest among the groups gnomAD compares: East Asian, 0.0067%; no homozygotes.

Submissions (2):

Greenwood Genetic Center Diagnostic Laboratories, Greenwood Genetic Center
Classification: Uncertain significance. Last evaluated: 2026-04-10. Review status: criteria provided, single submitter. Criteria: ACMG Guidelines, 2015. Collection method: clinical testing. Allele origin: germline.
Comment: PM2, BP4

Labcorp Genetics (formerly Invitae), Labcorp
Classification: Uncertain significance for Beta-D-mannosidosis. Last evaluated: 2022-04-20. Review status: criteria provided, single submitter. Criteria: Invitae Variant Classification Sherloc (09022015). Collection method: clinical testing. Allele origin: germline.
Comment: This sequence change replaces alanine, which is neutral and non-polar, with valine, which is neutral and non-polar, at codon 802 of the MANBA protein (p.Ala802Val). This variant is present in population databases (rs778265593, gnomAD 0.01%). This variant has not been reported in the literature in individuals affected with MANBA-related conditions. Algorithms developed to predict the effect of missense changes on protein structure and function (SIFT, PolyPhen-2, Align-GVGD) all suggest that this variant is likely to be tolerated. Algorithms developed to predict the effect of sequence changes on RNA splicing suggest that this variant may create or strengthen a splice site. In summary, the available evidence is currently insufficient to determine the role of this variant in disease. Therefore, it has been classified as a Variant of Uncertain Significance.